The following is an entry in ClinVar:

ClinVar aggregate classification (germline): Uncertain significance (1 of 4 stars; one submission).

Conditions:
Citrullinemia type I (CTNL1). Also called: ASS DEFICIENCY; argininosuccinate synthetase deficiency. Identifiers: Orphanet 247525, MedGen C4721769, MONDO:0008988, OMIM 215700.

Allele frequency attached by ClinVar (database versions not stated): gnomAD exomes below 0.00001.
gnomAD v4.1: 2 of 1,612,466 alleles (0.00012%); highest among the groups gnomAD compares: East Asian, 0.0045%; no homozygotes.

Submission:

3billion
Classification: Uncertain significance for Citrullinemia type I. Last evaluated: 2022-05-22. Review status: criteria provided, single submitter. Criteria: ACMG Guidelines, 2015. Collection method: clinical testing. Allele origin: germline. Affected: yes. Observed: 1 heterozygote.
Comment: The variant is observed at an extremely low frequency in the gnomAD v2.1.1 dataset (total allele frequency: <0.001%). Splice region (3-8 bases of the intron) variant. In silico tools predict the variant to alter splicing and produce an abnormal transcript (SpliceAI: 0.63). Therefore, this variant is classified as uncertain significanceaccording to the recommendation of ACMG/AMP guideline.

NM_054012.4(ASS1):c.105+5G>A

Gene: ASS1 (argininosuccinate synthase 1; plus strand). Cytogenetic location: 9q34.11.
Variant type: single nucleotide variant.
Coding change: c.105+5G>A on transcript NM_054012.4 (MANE Select); 5 bases into the intron after coding-DNA position 105, G replaced by A.
Molecular consequence: intron variant.
Genome position (GRCh38, 1-based): chr9:130,452,338, G>A. VCF-style: chr9-130452338-G-A. GRCh37 (hg19) VCF-style: chr9-133327725-G-A.
Other names: c.105+5G>A (NM_000050.4).
Identifiers: ClinVar variation 1687575 (VCV001687575.1), dbSNP rs1329809424, ClinGen allele CA590703557.